The following is an entry in ClinVar:

ClinVar aggregate classification (germline): Uncertain significance. Review status: criteria provided, multiple submitters, no conflicts (2 of 4 stars). 2 submissions from 2 submitters: Uncertain significance (2). Last evaluated 2022-08-13.

Conditions:
Loeys-Dietz syndrome 2 (LDS2). Also called: TGFBR2-Related Loeys-Dietz Syndrome; AORTIC ANEURYSM, FAMILIAL THORACIC 3; MARFAN SYNDROME, TYPE II; Marfan Syndrome type 2; Marfan like connective tissue disorder; MFS 2. Identifiers: Orphanet 284973, Orphanet 558, MedGen C2674574, MONDO:0012427, OMIM 610168.

Allele frequency attached by ClinVar (database versions not stated): gnomAD exomes 0.00001 and 0.00002.
gnomAD v4.1: 24 of 1,614,146 alleles (0.0015%); highest among the groups gnomAD compares: Non-Finnish European, 0.0019%; no homozygotes.

Submissions (2):

Labcorp Genetics (formerly Invitae), Labcorp
Classification: Uncertain significance for Loeys-Dietz syndrome 2. Last evaluated: 2022-08-13. Review status: criteria provided, single submitter. Criteria: Invitae Variant Classification Sherloc (09022015). Collection method: clinical testing. Allele origin: germline.
Comment: In summary, the available evidence is currently insufficient to determine the role of this variant in disease. Therefore, it has been classified as a Variant of Uncertain Significance. This sequence change replaces lysine, which is basic and polar, with asparagine, which is neutral and polar, at codon 462 of the TMPO protein (p.Lys462Asn). This variant is present in population databases (rs767027388, gnomAD 0.007%). This variant has not been reported in the literature in individuals affected with TMPO-related conditions. ClinVar contains an entry for this variant (Variation ID: 999822). Algorithms developed to predict the effect of missense changes on protein structure and function are either unavailable or do not agree on the potential impact of this missense change (SIFT: "Deleterious"; PolyPhen-2: "Possibly Damaging"; Align-GVGD: "Class C0").

Ambry Genetics
Classification: Uncertain significance. Last evaluated: 2022-05-09. Review status: criteria provided, single submitter. Criteria: Ambry Variant Classification Scheme 2023. Collection method: clinical testing. Allele origin: germline.
Comment: The p.K462N variant (also known as c.1386A>C), located in coding exon 4 of the TMPO gene, results from an A to C substitution at nucleotide position 1386. The lysine at codon 462 is replaced by asparagine, an amino acid with similar properties. This amino acid position is conserved. In addition, this alteration is predicted to be tolerated by in silico analysis. Since supporting evidence is limited at this time, the clinical significance of this alteration remains unclear.

NM_001032283.3(TMPO):c.565+1805A>C

Gene: TMPO (thymopoietin; plus strand). Cytogenetic location: 12q23.1.
Variant type: single nucleotide variant.
Coding change: c.565+1805A>C on transcript NM_001032283.3 (MANE Select); 1805 bases into the intron after coding-DNA position 565, A replaced by C.
Molecular consequence: intron variant. On other transcripts: missense variant (1).
Genome position (GRCh38, 1-based): chr12:98,533,643, A>C. VCF-style: chr12-98533643-A-C. GRCh37 (hg19) VCF-style: chr12-98927421-A-C.
Other names: c.565+1805A>C (NM_001307975.2, NM_001032284.3); c.1386A>C, p.Lys462Asn (NM_003276.2); short protein forms K462N.
Identifiers: ClinVar variation 999822 (VCV000999822.9), dbSNP rs767027388, ClinGen allele CA242224894.